The following is an entry in ClinVar:

ClinVar aggregate classification (germline): Uncertain significance (1 of 4 stars; one submission).

Conditions:
Epidermolysis bullosa simplex 5C, with pyloric atresia (EBS5C). Also called: PLEC-Related Epidermolysis Bullosa with Pyloric Atresia; Epidermolysis bullosa simplex with pyloric atresia; PLEC1-Related Epidermolysis Bullosa with Pyloric Atresia. Identifiers: Orphanet 158684, MedGen C2677349, MONDO:0012807, OMIM 612138.
Epidermolysis bullosa simplex 5B, with muscular dystrophy (EBS5B). Also called: EPIDERMOLYSIS BULLOSA SIMPLEX AND LIMB-GIRDLE MUSCULAR DYSTROPHY; Epidermolysis bullosa simplex with muscular dystrophy. Identifiers: Orphanet 257, MedGen C2931072, MONDO:0009181, OMIM 226670.
Epidermolysis bullosa simplex, Ogna type (EBS5A). Also called: Pidermolysis bullosa simplex 5A, Ogna type; EPIDERMOLYSIS BULLOSA SIMPLEX 5A, OGNA TYPE. Identifiers: Orphanet 79401, MedGen C0432317, MONDO:0007555, OMIM 131950.
Autosomal recessive limb-girdle muscular dystrophy type 2Q (LGMDR17). Also called: MUSCULAR DYSTROPHY, LIMB-GIRDLE, AUTOSOMAL RECESSIVE 17. Identifiers: Orphanet 254361, MedGen C3150989, MONDO:0013390, OMIM 613723.
Epidermolysis bullosa simplex with nail dystrophy (EBS5D). Identifiers: MedGen C4225309, MONDO:0014661, OMIM 616487.

Allele frequency attached by ClinVar (database versions not stated): gnomAD exomes below 0.00001; TOPMed below 0.00001; gnomAD 0.00001.
gnomAD v4.1: 7 of 1,577,602 alleles (0.00044%); highest among the groups gnomAD compares: East Asian, 0.0046%; no homozygotes.

Submission:

Labcorp Genetics (formerly Invitae), Labcorp
Classification: Uncertain significance for Autosomal recessive limb-girdle muscular dystrophy type 2Q; Epidermolysis bullosa simplex, Ogna type; Epidermolysis bullosa simplex with nail dystrophy; Epidermolysis bullosa simplex 5C, with pyloric atresia; Epidermolysis bullosa simplex 5B, with muscular dystrophy. Last evaluated: 2022-07-19. Review status: criteria provided, single submitter. Criteria: Invitae Variant Classification Sherloc (09022015). Collection method: clinical testing. Allele origin: germline.
Comment: ClinVar contains an entry for this variant (Variation ID: 1367880). In summary, the available evidence is currently insufficient to determine the role of this variant in disease. Therefore, it has been classified as a Variant of Uncertain Significance. Algorithms developed to predict the effect of missense changes on protein structure and function are either unavailable or do not agree on the potential impact of this missense change (SIFT: "Tolerated"; PolyPhen-2: "Not Available"; Align-GVGD: "Class C0"). This variant has not been reported in the literature in individuals affected with PLEC-related conditions. This variant is present in population databases (no rsID available, gnomAD 0.006%). This sequence change replaces alanine, which is neutral and non-polar, with threonine, which is neutral and polar, at codon 1407 of the PLEC protein (p.Ala1407Thr).

NM_201384.3(PLEC):c.4138G>A (p.Ala1380Thr)

Gene: PLEC (plectin; minus strand). Cytogenetic location: 8q24.3.
Variant type: single nucleotide variant.
Coding change: c.4138G>A on transcript NM_201384.3 (MANE Select); coding-DNA position 4138, G replaced by A.
Protein change: p.Ala1380Thr; replaces alanine 1380 with threonine.
Molecular consequence: missense variant.
Genome position (GRCh38, 1-based): chr8:143,925,791, C>T on the plus strand (G>A on the coding strand, the complement: PLEC is on the minus strand). VCF-style: chr8-143925791-C-T. GRCh37 (hg19) VCF-style: chr8-144999959-C-T.
Other names: c.4219G>A, p.Ala1407Thr (NM_000445.5); c.4096G>A, p.Ala1366Thr (NM_201378.4); c.4072G>A, p.Ala1358Thr (NM_201379.3); c.4549G>A, p.Ala1517Thr (NM_201380.4); c.4042G>A, p.Ala1348Thr (NM_201381.3); c.4138G>A, p.Ala1380Thr (NM_201382.4); c.4150G>A, p.Ala1384Thr (NM_201383.3); short protein forms A1348T, A1407T, A1358T, A1380T, A1366T, A1384T, A1517T.
Identifiers: ClinVar variation 1367880 (VCV001367880.6), dbSNP rs960723686, ClinGen allele CA187617062.
Genomic context (GRCh38, chr8:143,925,791, plus strand): 5'-CCTCCTGCATGCGCTGCTGCAGCTCCTTCGCCTCCCGCTCCGCCTGTGCCTTTGCCTGGG[C>T]GTGCGCCTCGGCCAGCTGCCGCTGCTTCTCCAGCGCGGCCTCCACCTCGGCCAGCCGCTC-3'
Protein context (NP_958786.1, residues 1370-1390): EKQRQLAEAH[Ala1380Thr]QAKAQAEREA